The following is an entry in ClinVar:

ClinVar aggregate classification (germline): Conflicting classifications of pathogenicity. Review status: criteria provided, conflicting classifications (1 of 4 stars). 4 submissions from 4 submitters: Pathogenic (1); Likely pathogenic (2); Uncertain significance (1). Last evaluated 2026-05-21.

Conditions:
Familial intrahepatic cholestasis. Identifiers: Orphanet 284385, MedGen CN296401, MONDO:0017290.
ABCB4-related disorder. Also called: ABCB4-related disorders; ABCB4-related condition.

Allele frequency attached by ClinVar (database versions not stated): gnomAD exomes below 0.00001 and 0.00001; ExAC 0.00001.
gnomAD v4.1: 13 of 1,614,032 alleles (0.00081%); highest among the groups gnomAD compares: Non-Finnish European, 0.00076%; no homozygotes.

Submissions (4):

PreventionGenetics, part of Exact Sciences
Classification: Likely pathogenic for ABCB4-related condition. Last evaluated: 2026-05-21. Review status: criteria provided, single submitter. Criteria: ACMG Guidelines, 2015. Collection method: clinical testing. Allele origin: germline.
Comment: The ABCB4 c.3257A>C variant is predicted to result in the amino acid substitution p.Tyr1086Ser. This variant was reported in homozygous and compound heterozygous state in at least two individuals with progressive familial intrahepatic cholestasis type 3 (Schatz et al. 2018. PubMed ID: 29761167; Dröge et al. 2017. PubMed ID: 28733223). This variant is reported in 0.00088% of alleles in individuals of European (Non-Finnish) descent in gnomAD. This variant is interpreted as likely pathogenic.

Genomenon, Inc
Classification: Uncertain significance for Familial intrahepatic cholestasis. Last evaluated: 2026-04-14. Review status: criteria provided, single submitter. Criteria: Genomenon Sequence Variant Interpretation Standards - Updated. Collection method: curation. Allele origin: germline. Affected: yes.
Comment: ABCB4 p.Tyr1086Ser (c.3257A>C) is a missense variant that changes the amino acid at residue 1086 from Tyrosine to Serine. This variant has been observed in at least one proband with an ABCB4-related disorder (PMID:29761167;28733223). It is absent or not present at a significant frequency in gnomAD. In silico models predict that this variant is possibly or probably damaging. In conclusion, we classify ABCB4 p.Tyr1086Ser (c.3257A>C) as a variant of uncertain significance.

CeGaT Center for Human Genetics Tuebingen
Classification: Likely pathogenic. Last evaluated: 2025-06-01. Review status: criteria provided, single submitter. Criteria: CeGaT Center For Human Genetics Tuebingen Variant Classification Criteria Version 2. Collection method: clinical testing. Allele origin: germline. Affected: yes. Observed: 3 variant alleles.
Comment: ABCB4: PM3:Strong, PM1, PM2

Blueprint Genetics
Classification: Pathogenic for ABCB4-related disorders. Last evaluated: 2024-10-18. Review status: criteria provided, single submitter. Criteria: ACMG Guidelines, 2015. Collection method: clinical testing. Allele origin: germline. Affected: yes. Observed: 3 variant alleles.

Literature cited by the submitters: PubMed 29761167 (cited by Genomenon, Inc); PubMed 28733223 (cited by Genomenon, Inc).

NM_000443.4(ABCB4):c.3257A>C (p.Tyr1086Ser)

Gene: ABCB4 (ATP binding cassette subfamily B member 4; minus strand). Cytogenetic location: 7q21.12.
Variant type: single nucleotide variant.
Coding change: c.3257A>C on transcript NM_000443.4 (MANE Select); coding-DNA position 3257, A replaced by C.
Protein change: p.Tyr1086Ser; replaces tyrosine 1086 with serine.
Molecular consequence: missense variant.
Genome position (GRCh38, 1-based): chr7:87,408,059, T>G on the plus strand (A>C on the coding strand, the complement: ABCB4 is on the minus strand). VCF-style: chr7-87408059-T-G. GRCh37 (hg19) VCF-style: chr7-87037375-T-G.
Other names: c.3257A>C, p.Tyr1086Ser (NM_018849.3); c.3116A>C, p.Tyr1039Ser (NM_018850.3); c.3257A>C (NM_000443.3); short protein forms Y1039S, Y1086S.
Identifiers: ClinVar variation 1335675 (VCV001335675.38), dbSNP rs745972631, ClinGen allele CA4326821.